The following is an entry in ClinVar:

NM_031844.3(HNRNPU):c.1219A>G (p.Thr407Ala)

Gene: HNRNPU (heterogeneous nuclear ribonucleoprotein U; minus strand). Cytogenetic location: 1q44.
Variant type: single nucleotide variant.
Coding change: c.1219A>G on transcript NM_031844.3 (MANE Select); coding-DNA position 1219, A replaced by G.
Protein change: p.Thr407Ala; replaces threonine 407 with alanine.
Molecular consequence: missense variant.
Genome position (GRCh38, 1-based): chr1:244,858,740, T>C on the plus strand (A>G on the coding strand, the complement: HNRNPU is on the minus strand). VCF-style: chr1-244858740-T-C. GRCh37 (hg19) VCF-style: chr1-245022042-T-C.
Other names: c.1162A>G, p.Thr388Ala (NM_004501.3); short protein forms T388A, T407A.
Identifiers: ClinVar variation 2129278 (VCV002129278.4), dbSNP rs2527880306, ClinGen allele CA345492129.
Genomic context (GRCh38, chr1:244,858,740, plus strand): 5'-ATAGCTACTAACTTTGCCATTTATACATAGAAAGTTAGCTTTAACTTACAGCAAAACATG[T>C]AATCACATCATTTTCATCAAACTTTTCTCCATAATCTTCAGTCTCACAGTTGCATGTTTT-3'
Protein context (NP_114032.2, residues 397-417): GEKFDENDVI[Thr407Ala]CFANFESDEV

ClinVar aggregate classification (germline): Uncertain significance (1 of 4 stars; one submission).

Conditions:
Developmental and epileptic encephalopathy, 54. Also called: Epileptic encephalopathy, early infantile, 54; HNRNPU-Related Neurodevelopmental Disorder. Identifiers: MedGen C4479319, MONDO:0033363, OMIM 617391.

Submission:

Labcorp Genetics (formerly Invitae), Labcorp
Classification: Uncertain significance for Developmental and epileptic encephalopathy, 54. Last evaluated: 2022-04-22. Review status: criteria provided, single submitter. Criteria: Invitae Variant Classification Sherloc (09022015). Collection method: clinical testing. Allele origin: germline.
Comment: This sequence change replaces threonine, which is neutral and polar, with alanine, which is neutral and non-polar, at codon 407 of the HNRNPU protein (p.Thr407Ala). This variant is not present in population databases (gnomAD no frequency). This variant has not been reported in the literature in individuals affected with HNRNPU-related conditions. Algorithms developed to predict the effect of missense changes on protein structure and function are either unavailable or do not agree on the potential impact of this missense change (SIFT: "Tolerated"; PolyPhen-2: "Not Available"; Align-GVGD: "Class C0"). In summary, the available evidence is currently insufficient to determine the role of this variant in disease. Therefore, it has been classified as a Variant of Uncertain Significance.